The following is an entry in ClinVar:

ClinVar aggregate classification (germline): Uncertain significance (1 of 4 stars; one submission).

Conditions:
Duchenne muscular dystrophy (DMD). Also called: MUSCULAR DYSTROPHY, PSEUDOHYPERTROPHIC PROGRESSIVE, DUCHENNE TYPE; Duchenne Muscular Dystrophy (DMD). Identifiers: Orphanet 98896, MedGen C0013264, MONDO:0010679, OMIM 310200.

Submission:

Labcorp Genetics (formerly Invitae), Labcorp
Classification: Uncertain significance for Duchenne muscular dystrophy. Last evaluated: 2024-01-16. Review status: criteria provided, single submitter. Criteria: Invitae Variant Classification Sherloc (09022015). Collection method: clinical testing. Allele origin: germline.
Comment: This sequence change replaces leucine, which is neutral and non-polar, with phenylalanine, which is neutral and non-polar, at codon 348 of the DMD protein (p.Leu348Phe). This variant is not present in population databases (gnomAD no frequency). This variant has not been reported in the literature in individuals affected with DMD-related conditions. Advanced modeling of protein sequence and biophysical properties (such as structural, functional, and spatial information, amino acid conservation, physicochemical variation, residue mobility, and thermodynamic stability) performed at Invitae indicates that this missense variant is not expected to disrupt DMD protein function with a negative predictive value of 95%. In summary, the available evidence is currently insufficient to determine the role of this variant in disease. Therefore, it has been classified as a Variant of Uncertain Significance.

NM_004006.3(DMD):c.1044A>C (p.Leu348Phe)

Gene: DMD (dystrophin; minus strand). Cytogenetic location: Xp21.1.
Variant type: single nucleotide variant.
Coding change: c.1044A>C on transcript NM_004006.3 (MANE Select); coding-DNA position 1044, A replaced by C.
Protein change: p.Leu348Phe; replaces leucine 348 with phenylalanine.
Molecular consequence: missense variant.
Genome position (GRCh38, 1-based): chrX:32,645,069, T>G on the plus strand (A>C on the coding strand, the complement: DMD is on the minus strand). VCF-style: chrX-32645069-T-G. GRCh37 (hg19) VCF-style: chrX-32663186-T-G.
Other names: c.1020A>C, p.Leu340Phe (NM_000109.4); c.1032A>C, p.Leu344Phe (NM_004009.3); c.675A>C, p.Leu225Phe (NM_004010.3); short protein forms L348F, L225F, L340F, L344F.
Identifiers: ClinVar variation 2709699 (VCV002709699.3), dbSNP rs2519653813, ClinGen allele CA412662111.